The following is an entry in ClinVar:

NM_172351.3(CD46):c.235A>G (p.Ile79Val)

Gene: CD46 (CD46 molecule; plus strand). Cytogenetic location: 1q32.2.
Variant type: single nucleotide variant.
Coding change: c.235A>G on transcript NM_172351.3 (MANE Select); coding-DNA position 235, A replaced by G.
Protein change: p.Ile79Val; replaces isoleucine 79 with valine.
Molecular consequence: missense variant.
Genome position (GRCh38, 1-based): chr1:207,757,151, A>G. VCF-style: chr1-207757151-A-G. GRCh37 (hg19) VCF-style: chr1-207930496-A-G.
Other names: c.235A>G, p.Ile79Val (NM_002389.4, NM_153826.4, NM_172350.3 and 8 more transcripts); short protein forms I79V.
Identifiers: ClinVar variation 2463275 (VCV002463275.4), dbSNP rs2526402294, ClinGen allele CA344548200.
Genomic context (GRCh38, chr1:207,757,151, plus strand): 5'-CGAGTAGATTATAAGTGTAAAAAAGGATACTTCTATATACCTCCTCTTGCCACCCATACT[A>G]TTTGTGATCGGAATCATACATGGCTACCTGTCTCAGATGACGCCTGTTATAGTAAGTAAA-3'
Protein context (NP_758861.1, residues 69-89): FYIPPLATHT[Ile79Val]CDRNHTWLPV

ClinVar aggregate classification (germline): Conflicting classifications of pathogenicity. Review status: criteria provided, conflicting classifications (1 of 4 stars). 2 submissions from 2 submitters: Uncertain significance (1); Likely benign (1). Last evaluated 2024-12-16.

Submissions (2):

Labcorp Genetics (formerly Invitae), Labcorp
Classification: Uncertain significance. Last evaluated: 2024-12-16. Review status: criteria provided, single submitter. Criteria: Invitae Variant Classification Sherloc (09022015). Collection method: clinical testing. Allele origin: germline.
Comment: This sequence change replaces isoleucine, which is neutral and non-polar, with valine, which is neutral and non-polar, at codon 79 of the CD46 protein (p.Ile79Val). This variant is not present in population databases (gnomAD no frequency). This variant has not been reported in the literature in individuals affected with CD46-related conditions. ClinVar contains an entry for this variant (Variation ID: 2463275). Invitae Evidence Modeling of protein sequence and biophysical properties (such as structural, functional, and spatial information, amino acid conservation, physicochemical variation, residue mobility, and thermodynamic stability) indicates that this missense variant is not expected to disrupt CD46 protein function with a negative predictive value of 80%. In summary, the available evidence is currently insufficient to determine the role of this variant in disease. Therefore, it has been classified as a Variant of Uncertain Significance.

Ambry Genetics
Classification: Likely benign. Last evaluated: 2023-01-25. Review status: criteria provided, single submitter. Criteria: Ambry Variant Classification Scheme 2023. Collection method: clinical testing. Allele origin: germline.